The following is an entry in ClinVar:

NM_001190274.2(FBXO11):c.2278A>G (p.Ile760Val)

Gene: FBXO11 (F-box protein 11; minus strand). Cytogenetic location: 2p16.3.
Variant type: single nucleotide variant.
Coding change: c.2278A>G on transcript NM_001190274.2 (MANE Select); coding-DNA position 2278, A replaced by G.
Protein change: p.Ile760Val; replaces isoleucine 760 with valine.
Molecular consequence: missense variant.
Genome position (GRCh38, 1-based): chr2:47,810,376, T>C on the plus strand (A>G on the coding strand, the complement: FBXO11 is on the minus strand). VCF-style: chr2-47810376-T-C. GRCh37 (hg19) VCF-style: chr2-48037515-T-C.
Other names: c.2026A>G, p.Ile676Val (NM_001374325.1, NM_025133.4); short protein forms I676V, I760V.
Identifiers: ClinVar variation 3371076 (VCV003371076.1).

ClinVar aggregate classification (germline): Uncertain significance (1 of 4 stars; one submission).

gnomAD v4.1: 2 of 1,611,126 alleles (0.00012%); highest among the groups gnomAD compares: Non-Finnish European, 0.00017%; no homozygotes.

Submission:

GeneDx
Classification: Uncertain significance. Last evaluated: 2024-03-20. Review status: criteria provided, single submitter. Criteria: GeneDx Variant Classification Process June 2021. Collection method: clinical testing. Allele origin: germline. Affected: yes.
Comment: Not observed at significant frequency in large population cohorts (gnomAD); In silico analysis supports that this missense variant does not alter protein structure/function; Has not been previously published as pathogenic or benign to our knowledge